The following is an entry in ClinVar:

ClinVar aggregate classification (germline): Uncertain significance. Review status: criteria provided, multiple submitters, no conflicts (2 of 4 stars). 2 submissions from 2 submitters: Uncertain significance (2). Last evaluated 2026-01-21.

Conditions:
Inborn genetic diseases. Identifiers: MedGen C0950123, MeSH D030342.

gnomAD v4.1: 21 of 1,589,750 alleles (0.0013%); highest among the groups gnomAD compares: African/African-American, 0.028%; no homozygotes.

Submissions (2):

Ambry Genetics
Classification: Uncertain significance for Inborn genetic diseases. Last evaluated: 2026-01-21. Review status: criteria provided, single submitter. Criteria: Ambry Variant Classification Scheme 2023. Collection method: clinical testing. Allele origin: germline.

Women's Health and Genetics/Laboratory Corporation of America, LabCorp
Classification: Uncertain significance. Last evaluated: 2025-06-17. Review status: criteria provided, single submitter. Criteria: LabCorp Variant Classification Summary - May 2015. Collection method: clinical testing. Allele origin: germline.
Comment: Variant summary: PKD1 c.9991G>C (p.Val3331Leu) results in a conservative amino acid change in the encoded protein sequence. Algorithms developed to predict the effect of missense changes on protein structure and function all suggest that this variant is likely to be tolerated. The variant allele was found at a frequency of 1.8e-05 in 164850 control chromosomes. The available data on variant occurrences in the general population are insufficient to allow any conclusion about variant significance. To our knowledge, no occurrence of c.9991G>C in individuals affected with PKD1-Biallelic Autosomal Recessive Polycystic Kidney Disease and no experimental evidence demonstrating its impact on protein function have been reported. No submitters have cited clinical-significance assessments for this variant to ClinVar. Based on the evidence outlined above, the variant was classified as uncertain significance.

NM_001009944.3(PKD1):c.9991G>C (p.Val3331Leu)

Gene: PKD1 (polycystin 1, transient receptor potential channel interacting; minus strand). Cytogenetic location: 16p13.3.
Variant type: single nucleotide variant.
Coding change: c.9991G>C on transcript NM_001009944.3 (MANE Select); coding-DNA position 9991, G replaced by C.
Protein change: p.Val3331Leu; replaces valine 3331 with leucine.
Molecular consequence: missense variant.
Genome position (GRCh38, 1-based): chr16:2,099,703, C>G on the plus strand (G>C on the coding strand, the complement: PKD1 is on the minus strand). VCF-style: chr16-2099703-C-G. GRCh37 (hg19) VCF-style: chr16-2149704-C-G.
Other names: c.9991G>C, p.Val3331Leu (NM_000296.4); c.9991G>C (NM_000296.3); short protein forms V3331L.
Identifiers: ClinVar variation 3907061 (VCV003907061.2).